The following is an entry in ClinVar:

NM_001572.5(IRF7):c.1122C>A (p.Cys374Ter)

Gene: IRF7 (interferon regulatory factor 7; minus strand). Cytogenetic location: 11p15.5.
Variant type: single nucleotide variant.
Coding change: c.1122C>A on transcript NM_001572.5 (MANE Select); coding-DNA position 1122, C replaced by A.
Protein change: p.Cys374Ter; replaces cysteine 374 with a stop codon.
Molecular consequence: nonsense.
Genome position (GRCh38, 1-based): chr11:613,321, G>T on the plus strand (C>A on the coding strand, the complement: IRF7 is on the minus strand). VCF-style: chr11-613321-G-T. GRCh37 (hg19) VCF-style: chr11-613321-G-T.
Other names: c.1035C>A, p.Cys345Ter (NM_004029.4); c.1161C>A, p.Cys387Ter (NM_004031.4); short protein forms C345*, C374*, C387*.
Identifiers: ClinVar variation 1021811 (VCV001021811.6), dbSNP rs746520294, ClinGen allele CA378978868.

ClinVar aggregate classification (germline): Uncertain significance (1 of 4 stars; one submission).

Conditions:
Immunodeficiency 39 (IMD39). Identifiers: Orphanet 574918, MedGen C4225358, MONDO:0014597, OMIM 616345.

Submission:

Labcorp Genetics (formerly Invitae), Labcorp
Classification: Uncertain significance for Immunodeficiency 39. Last evaluated: 2020-08-10. Review status: criteria provided, single submitter. Criteria: Invitae Variant Classification Sherloc (09022015). Collection method: clinical testing. Allele origin: germline.
Comment: This variant is not present in population databases (ExAC no frequency). This sequence change creates a premature translational stop signal (p.Cys387*) in the IRF7 gene. It is expected to result in an absent or disrupted protein product. This variant has not been reported in the literature in individuals with IRF7-related conditions. In summary, the available evidence is currently insufficient to determine the role of this variant in disease. Therefore, it has been classified as a Variant of Uncertain Significance. The current clinical and genetic evidence is not sufficient to establish whether loss-of-function variants in IRF7 cause disease.